The following is an entry in ClinVar:

ClinVar aggregate classification (germline): Uncertain significance. Review status: criteria provided, multiple submitters, no conflicts (2 of 4 stars). 2 submissions from 2 submitters: Uncertain significance (2). Last evaluated 2025-10-15.

Conditions:
Inborn genetic diseases. Identifiers: MedGen C0950123, MeSH D030342.
Fanconi anemia (FA). Also called: Fanconi's anemia. Identifiers: Orphanet 84, MedGen C0015625, MeSH D005199, MONDO:0019391.

Allele frequency attached by ClinVar (database versions not stated): gnomAD 0.00001; gnomAD exomes 0.00001.
gnomAD v4.1: 10 of 1,207,946 alleles (0.00083%); highest among the groups gnomAD compares: Admixed American, 0.0087%; no homozygotes.

Submissions (2):

Labcorp Genetics (formerly Invitae), Labcorp
Classification: Uncertain significance for Fanconi anemia. Last evaluated: 2025-10-15. Review status: criteria provided, single submitter. Criteria: Invitae Variant Classification Sherloc (09022015). Collection method: clinical testing. Allele origin: germline.
Comment: This sequence change replaces glutamine, which is neutral and polar, with arginine, which is basic and polar, at codon 576 of the FANCB protein (p.Gln576Arg). This variant is present in population databases (no rsID available, gnomAD 0.008%). This variant has not been reported in the literature in individuals affected with FANCB-related conditions. ClinVar contains an entry for this variant (Variation ID: 2144498). Invitae Evidence Modeling of protein sequence and biophysical properties (such as structural, functional, and spatial information, amino acid conservation, physicochemical variation, residue mobility, and thermodynamic stability) indicates that this missense variant is not expected to disrupt FANCB protein function with a negative predictive value of 80%. In summary, the available evidence is currently insufficient to determine the role of this variant in disease. Therefore, it has been classified as a Variant of Uncertain Significance.

Ambry Genetics
Classification: Uncertain significance for Inborn genetic diseases. Last evaluated: 2025-08-04. Review status: criteria provided, single submitter. Criteria: Ambry Variant Classification Scheme 2023. Collection method: clinical testing. Allele origin: germline.

NM_001018113.3(FANCB):c.1727A>G (p.Gln576Arg)

Gene: FANCB (FA complementation group B; minus strand). Cytogenetic location: Xp22.2.
Variant type: single nucleotide variant.
Coding change: c.1727A>G on transcript NM_001018113.3 (MANE Select); coding-DNA position 1727, A replaced by G.
Protein change: p.Gln576Arg; replaces glutamine 576 with arginine.
Molecular consequence: missense variant.
Genome position (GRCh38, 1-based): chrX:14,845,056, T>C on the plus strand (A>G on the coding strand, the complement: FANCB is on the minus strand). VCF-style: chrX-14845056-T-C. GRCh37 (hg19) VCF-style: chrX-14863178-T-C.
Other names: c.1727A>G, p.Gln576Arg (NM_001324162.2, NM_001410764.1, NM_152633.4); short protein forms Q576R.
Identifiers: ClinVar variation 2144498 (VCV002144498.4), dbSNP rs1184732989, ClinGen allele CA412439754.